The following is an entry in ClinVar:

NM_001042492.3(NF1):c.1069C>T (p.Leu357Phe)

Gene: NF1 (neurofibromin 1; plus strand). Cytogenetic location: 17q11.2.
Variant type: single nucleotide variant.
Coding change: c.1069C>T on transcript NM_001042492.3 (MANE Select); coding-DNA position 1069, C replaced by T.
Protein change: p.Leu357Phe; replaces leucine 357 with phenylalanine.
Molecular consequence: missense variant.
Genome position (GRCh38, 1-based): chr17:31,201,043, C>T. VCF-style: chr17-31201043-C-T. GRCh37 (hg19) VCF-style: chr17-29528061-C-T.
Other names: c.1069C>T, p.Leu357Phe (NM_000267.4, NM_001128147.3); short protein forms L357F.
Identifiers: ClinVar variation 561903 (VCV000561903.10), dbSNP rs1567835662, ClinGen allele CA398996697.

ClinVar aggregate classification (germline): Conflicting classifications of pathogenicity. Review status: criteria provided, conflicting classifications (1 of 4 stars). 4 submissions from 4 submitters: Uncertain significance (3); Likely benign (1). Last evaluated 2025-05-12.

Conditions:
Neurofibromatosis, type 1 (NF1). Also called: VON RECKLINGHAUSEN DISEASE; NEUROFIBROMATOSIS, TYPE I, SOMATIC; Peripheral type neurofibromatosis; Neurofibromatosis, type I. Identifiers: Orphanet 636, MedGen C0027831, MONDO:0018975, OMIM 162200. Disease mechanism: loss of function.
Hereditary cancer-predisposing syndrome. Also called: Neoplastic Syndromes, Hereditary; Tumor predisposition; Hereditary Cancer Syndrome; Hereditary neoplastic syndrome. Identifiers: Orphanet 140162, MedGen C0027672, MeSH D009386, MONDO:0015356.
Cardiovascular phenotype. Identifiers: MedGen CN230736.

Allele frequency attached by ClinVar (database versions not stated): gnomAD exomes below 0.00001.

Submissions (4):

Labcorp Genetics (formerly Invitae), Labcorp
Classification: Likely benign for Neurofibromatosis, type 1. Last evaluated: 2025-05-12. Review status: criteria provided, single submitter. Criteria: Invitae Variant Classification Sherloc (09022015). Collection method: clinical testing. Allele origin: germline.

Ambry Genetics
Classification: Uncertain significance for Cardiovascular phenotype; Hereditary cancer-predisposing syndrome. Last evaluated: 2025-03-05. Review status: criteria provided, single submitter. Criteria: Ambry Variant Classification Scheme 2023. Collection method: clinical testing. Allele origin: germline.
Comment: The p.L357F variant (also known as c.1069C>T), located in coding exon 10 of the NF1 gene, results from a C to T substitution at nucleotide position 1069. The leucine at codon 357 is replaced by phenylalanine, an amino acid with highly similar properties. This amino acid position is highly conserved in available vertebrate species. In addition, the in silico prediction for this alteration is inconclusive. Since supporting evidence is limited at this time, the clinical significance of this alteration remains unclear.

Genome-Nilou Lab
Classification: Uncertain significance for Neurofibromatosis, type 1. Last evaluated: 2022-03-15. Review status: criteria provided, single submitter. Criteria: ACMG Guidelines, 2015. Collection method: clinical testing. Allele origin: germline. Affected: no.

GeneDx
Classification: Uncertain significance. Last evaluated: 2018-06-14. Review status: criteria provided, single submitter. Criteria: GeneDx Variant Classification (06012015). Collection method: clinical testing. Allele origin: germline. Affected: yes.
Comment: The L357F variant has not been published as a pathogenic variant, nor has it been reported as a benign variant to our knowledge. A different missense change at this residue (L357P) has been reported in association with NF1 (Stenson et al., 2014; Messiaen et al., 2003; Fahsold et al., 2000). The L357F variant is not observed in large population cohorts (Lek et al., 2016). In-silico analyses, including protein predictors and evolutionary conservation, support a deleterious effect. However, the L357F variant is a conservative amino acid substitution, which is not likely to impact secondary protein structure as these residues share similar properties. Therefore, based on the currently available information, it is unclear whether this variant is a pathogenic variant or a rare benign variant.